The following is an entry in ClinVar:

NM_001364905.1(LRBA):c.4285G>T (p.Glu1429Ter)

Gene: LRBA (LPS responsive beige-like anchor protein; minus strand). Cytogenetic location: 4q31.3.
Variant type: single nucleotide variant.
Coding change: c.4285G>T on transcript NM_001364905.1 (MANE Select); coding-DNA position 4285, G replaced by T.
Protein change: p.Glu1429Ter; replaces glutamic acid 1429 with a stop codon.
Molecular consequence: nonsense.
Genome position (GRCh38, 1-based): chr4:150,848,872, C>A on the plus strand (G>T on the coding strand, the complement: LRBA is on the minus strand). VCF-style: chr4-150848872-C-A. GRCh37 (hg19) VCF-style: chr4-151770024-C-A.
Other names: c.4285G>T, p.Glu1429Ter (NM_001199282.3, NM_001367550.1, NM_001440430.1 and 2 more transcripts); short protein forms E1429*.
Identifiers: ClinVar variation 5019051 (VCV005019051.2).
Genomic context (GRCh38, chr4:150,848,872, plus strand): 5'-GCTCACCTAGTCGGAGACACTGCCGCAAAATTCCTCCAGATGACATACTTTTTTCAGCTT[C>A]AATTTCAGTAAAGCCAAGAGAACTTGCAAATATAAGCACATCCACAAGGCTAATTAGCCT-3'

ClinVar aggregate classification (germline): Likely pathogenic (1 of 4 stars; one submission).

Conditions:
Combined immunodeficiency due to LRBA deficiency. Also called: Common variable immunodeficiency 8, with autoimmunity. Identifiers: Orphanet 445018, MedGen C3553512, MONDO:0013863, OMIM 614700.

Submission:

Juno Genomics, Hangzhou Juno Genomics, Inc
Classification: Likely pathogenic for Combined immunodeficiency due to LRBA deficiency. Review status: criteria provided, single submitter. Criteria: ACMG Guidelines, 2015. Collection method: clinical testing. Allele origin: germline.
Comment: Absent from controls (or at extremely low frequency if recessive) in Genome Aggregation Database.;Null variant in a gene where loss of function (LOF) is a known mechanism of disease.